The following is an entry in ClinVar:

ClinVar aggregate classification (germline): Uncertain significance (1 of 4 stars; one submission).

Conditions:
Inborn genetic diseases. Identifiers: MedGen C0950123, MeSH D030342.

Submission:

Ambry Genetics
Classification: Uncertain significance for Inborn genetic diseases. Last evaluated: 2026-03-10. Review status: criteria provided, single submitter. Criteria: Ambry Variant Classification Scheme 2023. Collection method: clinical testing. Allele origin: germline.
Comment: The p.N633Y variant (also known as c.1897A>T), located in coding exon 8 of the MECOM gene, results from an A to T substitution at nucleotide position 1897. The asparagine at codon 633 is replaced by tyrosine, an amino acid with dissimilar properties. This amino acid position is conserved. In addition, this alteration is predicted to be tolerated by in silico analysis. Based on the available evidence, the clinical significance of this variant remains unclear.

NM_004991.4(MECOM):c.1897A>T (p.Asn633Tyr)

Gene: MECOM (MDS1 and EVI1 complex locus; minus strand). Cytogenetic location: 3q26.2.
Variant type: single nucleotide variant.
Coding change: c.1897A>T on transcript NM_004991.4 (MANE Select); coding-DNA position 1897, A replaced by T.
Protein change: p.Asn633Tyr; replaces asparagine 633 with tyrosine.
Molecular consequence: missense variant. On other transcripts: intron variant (2).
Genome position (GRCh38, 1-based): chr3:169,115,975, T>A on the plus strand (A>T on the coding strand, the complement: MECOM is on the minus strand). VCF-style: chr3-169115975-T-A. GRCh37 (hg19) VCF-style: chr3-168833763-T-A.
Other names: c.1333A>T, p.Asn445Tyr (NM_001366472.2, NM_005241.4, NM_001366471.2 and 4 more transcripts); c.1133-208A>T (NM_001366473.2); c.569-208A>T (NM_001366474.2); c.1528A>T, p.Asn510Tyr (NM_001105077.4); c.1336A>T, p.Asn446Tyr (NM_001163999.2, NM_001366467.2, NM_001366468.2 and 1 more transcripts); c.1897A>T, p.Asn633Tyr (NM_001366466.2); short protein forms N445Y, N510Y, N633Y, N446Y.
Identifiers: ClinVar variation 4826724 (VCV004826724.1).